The following is an entry in ClinVar:

NM_177438.3(DICER1):c.5305A>G (p.Ile1769Val)

Gene: DICER1 (dicer 1, ribonuclease III; minus strand). Cytogenetic location: 14q32.13.
Variant type: single nucleotide variant.
Coding change: c.5305A>G on transcript NM_177438.3 (MANE Select); coding-DNA position 5305, A replaced by G.
Protein change: p.Ile1769Val; replaces isoleucine 1769 with valine.
Molecular consequence: missense variant. On other transcripts: non-coding transcript variant (6).
Genome position (GRCh38, 1-based): chr14:95,093,947, T>C on the plus strand (A>G on the coding strand, the complement: DICER1 is on the minus strand). VCF-style: chr14-95093947-T-C. GRCh37 (hg19) VCF-style: chr14-95560284-T-C.
Other names: c.5305A>G, p.Ile1769Val (NM_001195573.1, NM_001271282.3, NM_001291628.2 and 9 more transcripts); c.5023A>G, p.Ile1675Val (NM_001395686.1); c.4900A>G, p.Ile1634Val (NM_001395687.1, NM_001395688.1, NM_001395689.1 and 1 more transcripts); c.4738A>G, p.Ile1580Val (NM_001395691.1); c.3622A>G, p.Ile1208Val (NM_001395697.1); short protein forms I1208V, I1634V, I1675V, I1769V, I1580V.
Identifiers: ClinVar variation 1746723 (VCV001746723.3), dbSNP rs1890071572, ClinGen allele CA390864992.
Genomic context (GRCh38, chr14:95,093,947, plus strand): 5'-CCTCAGAATCCATTCCTTGCATTTCATTCTTCTCAAGCTGAAACTGCACAAAGTCATCAA[T>C]GACATGGAAGAGCTCAGGAGAGACAGCTTTGAAGTACTTGTGGTAGTCGTACTTTACAGC-3'
Protein context (NP_803187.1, residues 1759-1779): KAVSPELFHV[Ile1769Val]DDFVQFQLEK

ClinVar aggregate classification (germline): Uncertain significance (1 of 4 stars; one submission).

Conditions:
Hereditary cancer-predisposing syndrome. Also called: Hereditary Cancer Syndrome; Neoplastic Syndromes, Hereditary; Tumor predisposition; Hereditary neoplastic syndrome. Identifiers: Orphanet 140162, MedGen C0027672, MeSH D009386, MONDO:0015356.

Submission:

Ambry Genetics
Classification: Uncertain significance for Hereditary cancer-predisposing syndrome. Last evaluated: 2024-05-15. Review status: criteria provided, single submitter. Criteria: Ambry Variant Classification Scheme 2023. Collection method: clinical testing. Allele origin: germline.
Comment: The p.I1769V variant (also known as c.5305A>G), located in coding exon 23 of the DICER1 gene, results from an A to G substitution at nucleotide position 5305. The isoleucine at codon 1769 is replaced by valine, an amino acid with highly similar properties. This amino acid position is highly conserved in available vertebrate species. In addition, the in silico prediction for this alteration is inconclusive. Since supporting evidence is limited at this time, the clinical significance of this alteration remains unclear.